The following is an entry in ClinVar:

ClinVar aggregate classification (germline): Uncertain significance (1 of 4 stars; one submission).

Allele frequency attached by ClinVar (database versions not stated): gnomAD exomes 0.00001 and 0.00002; ExAC 0.00002; gnomAD 0.00003; TOPMed 0.00004; 1000 Genomes Project 30x 0.00016; 1000 Genomes Project 0.00020.
gnomAD v4.1: 19 of 1,614,078 alleles (0.0012%); highest among the groups gnomAD compares: Non-Finnish European, 0.0014%; no homozygotes.

Submission:

Labcorp Genetics (formerly Invitae), Labcorp
Classification: Uncertain significance. Last evaluated: 2021-05-19. Review status: criteria provided, single submitter. Criteria: Invitae Variant Classification Sherloc (09022015). Collection method: clinical testing. Allele origin: germline.
Comment: This sequence change replaces threonine with alanine at codon 422 of the PDE6C protein (p.Thr422Ala). The threonine residue is moderately conserved and there is a small physicochemical difference between threonine and alanine. This variant is present in population databases (rs144591862, ExAC 0.005%). This variant has not been reported in the literature in individuals with PDE6C-related conditions. Algorithms developed to predict the effect of missense changes on protein structure and function output the following: SIFT: "Tolerated"; PolyPhen-2: "Benign"; Align-GVGD: "Class C0". The alanine amino acid residue is found in multiple mammalian species, suggesting that this missense change does not adversely affect protein function. These predictions have not been confirmed by published functional studies and their clinical significance is uncertain. In summary, the available evidence is currently insufficient to determine the role of this variant in disease. Therefore, it has been classified as a Variant of Uncertain Significance.

NM_006204.4(PDE6C):c.1264A>G (p.Thr422Ala)

Gene: PDE6C (phosphodiesterase 6C; plus strand). Cytogenetic location: 10q23.33.
Variant type: single nucleotide variant.
Coding change: c.1264A>G on transcript NM_006204.4 (MANE Select); coding-DNA position 1264, A replaced by G.
Protein change: p.Thr422Ala; replaces threonine 422 with alanine.
Molecular consequence: missense variant.
Genome position (GRCh38, 1-based): chr10:93,634,902, A>G. VCF-style: chr10-93634902-A-G. GRCh37 (hg19) VCF-style: chr10-95394659-A-G.
Other names: short protein forms T422A.
Identifiers: ClinVar variation 1492516 (VCV001492516.7), dbSNP rs144591862, ClinGen allele CA5610120.